The following is an entry in ClinVar:

NM_000642.3(AGL):c.2729G>T (p.Arg910Leu)

Gene: AGL (amylo-alpha-1,6-glucosidase and 4-alpha-glucanotransferase; plus strand). Cytogenetic location: 1p21.2.
Variant type: single nucleotide variant.
Coding change: c.2729G>T on transcript NM_000642.3 (MANE Select); coding-DNA position 2729, G replaced by T.
Protein change: p.Arg910Leu; replaces arginine 910 with leucine.
Molecular consequence: missense variant.
Genome position (GRCh38, 1-based): chr1:99,888,025, G>T. VCF-style: chr1-99888025-G-T. GRCh37 (hg19) VCF-style: chr1-100353581-G-T.
Other names: c.2729G>T, p.Arg910Leu (NM_000028.3, NM_000643.3, NM_000644.3 and 2 more transcripts); c.2681G>T, p.Arg894Leu (NM_000646.3); c.2528G>T, p.Arg843Leu (NM_001425327.1); c.2525G>T, p.Arg842Leu (NM_001425328.1); c.2390G>T, p.Arg797Leu (NM_001425329.1); c.2351G>T, p.Arg784Leu (NM_001425332.1); short protein forms R894L, R910L, R784L, R797L, R842L, R843L.
Identifiers: ClinVar variation 1363258 (VCV001363258.8), dbSNP rs369044372, ClinGen allele CA341322979.

ClinVar aggregate classification (germline): Uncertain significance (1 of 4 stars; one submission).

Conditions:
Glycogen storage disease type III (GSD3). Also called: FORBES DISEASE; Cori disease. Identifiers: Orphanet 366, MedGen C0017922, MONDO:0009291, OMIM 232400.

gnomAD v4.1: 1 of 1,613,394 alleles (0.000062%); highest among the groups gnomAD compares: Non-Finnish European, 0.000085%; no homozygotes.

Submission:

Labcorp Genetics (formerly Invitae), Labcorp
Classification: Uncertain significance for Glycogen storage disease type III. Last evaluated: 2021-07-05. Review status: criteria provided, single submitter. Criteria: Invitae Variant Classification Sherloc (09022015). Collection method: clinical testing. Allele origin: germline.
Comment: This sequence change replaces arginine with leucine at codon 910 of the AGL protein (p.Arg910Leu). The arginine residue is moderately conserved and there is a moderate physicochemical difference between arginine and leucine. This variant is not present in population databases (ExAC no frequency). This variant has not been reported in the literature in individuals affected with AGL-related conditions. Algorithms developed to predict the effect of missense changes on protein structure and function are either unavailable or do not agree on the potential impact of this missense change (SIFT: "Deleterious"; PolyPhen-2: "Probably Damaging"; Align-GVGD: "Class C0"). In summary, the available evidence is currently insufficient to determine the role of this variant in disease. Therefore, it has been classified as a Variant of Uncertain Significance.